The following is an entry in ClinVar:

NM_000051.4(ATM):c.7808A>G (p.Asn2603Ser)

Genes: ATM (ATM serine/threonine kinase; plus strand), C11orf65 (chromosome 11 open reading frame 65; minus strand). Cytogenetic location: 11q22.3.
Variant type: single nucleotide variant.
Coding change: c.7808A>G on transcript NM_000051.4 (MANE Select); coding-DNA position 7808, A replaced by G.
Protein change: p.Asn2603Ser; replaces asparagine 2603 with serine.
Molecular consequence: missense variant. On other transcripts: intron variant (2).
Genome position (GRCh38, 1-based): chr11:108,332,781, A>G. VCF-style: chr11-108332781-A-G. GRCh37 (hg19) VCF-style: chr11-108203508-A-G.
Other names: c.7808A>G, p.Asn2603Ser (NM_001351834.2); c.641-23710T>C (NM_001330368.2); c.*38+2439T>C (NM_001351110.2); short protein forms N2603S.
Identifiers: ClinVar variation 216233 (VCV000216233.50), dbSNP rs150355232, ClinGen allele CA335994.
Genomic context (GRCh38, chr11:108,332,781, plus strand): 5'-GGGTAGTTCCTTATGTAATGTTTTTTGTTTTTTATTAATAGGATCGAACAGAGGCTGCAA[A>G]TAGAATAATATGTACTATCAGAAGTAGGAGACCTCAGATGGTCAGAAGTGTTGAGGCACT-3'
Protein context (NP_000042.3, residues 2593-2613): QLDEDRTEAA[Asn2603Ser]RIICTIRSRR

ClinVar aggregate classification (germline): Conflicting classifications of pathogenicity. Review status: criteria provided, conflicting classifications (1 of 4 stars). 9 submissions from 9 submitters: Uncertain significance (4); Benign (1); Likely benign (2). 2 of the submissions do not count toward it. Last evaluated 2026-01-05.

Conditions:
Hereditary cancer-predisposing syndrome. Also called: Neoplastic Syndromes, Hereditary; Hereditary neoplastic syndrome; Tumor predisposition; Hereditary Cancer Syndrome. Identifiers: Orphanet 140162, MedGen C0027672, MeSH D009386, MONDO:0015356.
ATM-related disorder. Also called: ATM-related disorders; ATM-related condition.
Ovarian cancer. Also called: OVARIAN CANCER, SOMATIC. Identifiers: Orphanet 213500, MedGen C1140680, MONDO:0008170, OMIM 167000.
Malignant tumor of breast. Also called: Malignant breast neoplasm; Cancer breast. Identifiers: MedGen C0006142, MONDO:0007254. Disease mechanism: loss of function.
Ataxia-telangiectasia syndrome (AT). Also called: Ataxia telangiectasia (A-T); Cerebello-oculocutaneous telangiectasia; Immunodeficiency with ataxia telangiectasia; LOUIS-BAR SYNDROME; AT, COMPLEMENTATION GROUP C; ATAXIA-TELANGIECTASIA, FRESNO VARIANT. Identifiers: Orphanet 100, MedGen C0004135, MONDO:0008840, OMIM 208900.

Allele frequency attached by ClinVar (database versions not stated): TOPMed 0.00005; gnomAD exomes below 0.00001; ExAC 0.00003; gnomAD 0.00001 and 0.00002; ESP Exome Variant Server 0.00015.
gnomAD v4.1: 4 of 1,613,106 alleles (0.00025%); highest among the groups gnomAD compares: African/African-American, 0.004%; no homozygotes.

Submissions (9):

Labcorp Genetics (formerly Invitae), Labcorp
Classification: Uncertain significance for Ataxia-telangiectasia syndrome. Last evaluated: 2026-01-05. Review status: criteria provided, single submitter. Criteria: Invitae Variant Classification Sherloc (09022015). Collection method: clinical testing. Allele origin: germline.
Comment: This sequence change replaces asparagine, which is neutral and polar, with serine, which is neutral and polar, at codon 2603 of the ATM protein (p.Asn2603Ser). This variant is present in population databases (rs150355232, gnomAD 0.01%). This variant has not been reported in the literature in individuals affected with ATM-related conditions. ClinVar contains an entry for this variant (Variation ID: 216233). Invitae Evidence Modeling of protein sequence and biophysical properties (such as structural, functional, and spatial information, amino acid conservation, physicochemical variation, residue mobility, and thermodynamic stability) indicates that this missense variant is not expected to disrupt ATM protein function with a negative predictive value of 95%. In summary, the available evidence is currently insufficient to determine the role of this variant in disease. Therefore, it has been classified as a Variant of Uncertain Significance.

PreventionGenetics, part of Exact Sciences
Classification: Uncertain significance for ATM-related condition. Last evaluated: 2025-08-14. Review status: criteria provided, single submitter. Criteria: ACMG Guidelines, 2015. Collection method: clinical testing. Allele origin: germline.
Comment: The ATM c.7808A>G variant is predicted to result in the amino acid substitution p.Asn2603Ser. This variant has been reported as a germline variant of uncertain significance in a patient with colon adenocarcinoma from The Cancer Genome Atlas (TCGA; Table S9, Yehia et al. 2018. PubMed ID: 29684080).This variant is reported in 0.0080% of alleles in individuals of African descent in gnomAD and has conflicting interpretations in the ClinVar database ranging from uncertain to benign (Variation ID: 216233). At this time, the clinical significance of this variant is uncertain due to the absence of conclusive functional and genetic evidence.

Ambry Genetics
Classification: Likely benign for Hereditary cancer-predisposing syndrome. Last evaluated: 2025-06-25. Review status: criteria provided, single submitter. Criteria: Ambry Variant Classification Scheme 2023. Collection method: clinical testing. Allele origin: germline.

GeneDx
Classification: Uncertain significance. Last evaluated: 2024-08-28. Review status: criteria provided, single submitter. Criteria: GeneDx Variant Classification Process June 2021. Collection method: clinical testing. Allele origin: germline. Affected: yes.
Comment: Not observed at significant frequency in large population cohorts (gnomAD); In silico analysis indicates that this missense variant does not alter protein structure/function; Observed in an individual with colon cancer (PMID: 29684080); This variant is associated with the following publications: (PMID: 29684080)

CeGaT Center for Human Genetics Tuebingen
Classification: Likely benign. Last evaluated: 2022-04-01. Review status: criteria provided, single submitter. Criteria: CeGaT Center For Human Genetics Tuebingen Variant Classification Criteria Version 2. Collection method: clinical testing. Allele origin: germline. Affected: yes. Observed: 1 variant allele.
Comment: ATM: BP4

Laboratory of Molecular Epidemiology of Birth Defects, West China Second University Hospital, Sichuan University
Classification: Benign for Ovarian cancer. Last evaluated: 2022-01-01. Review status: criteria provided, single submitter. Criteria: ACMG Guidelines, 2015. Collection method: clinical testing. Allele origin: germline. Affected: yes.

Genetic Services Laboratory, University of Chicago
Classification: Uncertain significance. Last evaluated: 2021-02-16. Review status: criteria provided, single submitter. Criteria: ACMG Guidelines, 2015. Collection method: clinical testing. Allele origin: germline. Affected: no.

Natera, Inc.
Classification: Uncertain significance for Ataxia-telangiectasia. Last evaluated: 2020-08-25. Review status: no assertion criteria provided. Collection method: clinical testing. Allele origin: germline. Not counted in ClinVar's aggregate classification.

Department of Pathology and Laboratory Medicine, Sinai Health System
Classification: Uncertain significance for Malignant tumor of breast. Review status: no assertion criteria provided. Collection method: clinical testing. Allele origin: unknown. Affected: yes. Study: The Canadian Open Genetics Repository (COGR). Not counted in ClinVar's aggregate classification.
Comment: The ATM p.Asn2603Ser variant was not identified in the literature nor was it identified in the LOVD 3.0 database. The variant was identified in the following databases: dbSNP (ID: rs150355232) as "With Uncertain significance allele"; ClinVar (classified as uncertain significance by Invitae); in 1 of 30968 chromosomes at a frequency of 0.00003 (Genome Aggregation Database Feb 27, 2017). The variant was observed in the African population in 1 of 8734 chromosomes (freq: 0.0001), but not in the European, Other, Latino, Ashkenazi Jewish, South Asian, East Asian, or Finnish populations. The p.Asn2603 residue is not conserved in mammals and computational analyses (PolyPhen-2, SIFT, AlignGVGD, BLOSUM, MutationTaster) do not suggest a high likelihood of impact to the protein; however, this information is not predictive enough to rule out pathogenicity. The variant occurs outside of the splicing consensus sequence and 1 of 4 in silico or computational prediction software programs (SpliceSiteFinder, MaxEntScan, NNSPLICE, GeneSplicer) predict a greater than 10% difference in splicing; this is not very predictive of pathogenicity. In summary, based on the above information, the clinical significance of this variant cannot be determined with certainty at this time. This variant is classified as a variant of uncertain significance.

Literature cited by the submitters: PubMed 29684080 (cited by Ambry Genetics).